The following is an entry in ClinVar:

NM_201548.5(CERKL):c.782C>G (p.Pro261Arg)

Gene: CERKL (CERK like autophagy regulator; minus strand). Cytogenetic location: 2q31.3.
Variant type: single nucleotide variant.
Coding change: c.782C>G on transcript NM_201548.5 (MANE Select); coding-DNA position 782, C replaced by G.
Protein change: p.Pro261Arg; replaces proline 261 with arginine.
Molecular consequence: missense variant. On other transcripts: non-coding transcript variant (2), intron variant (2).
Genome position (GRCh38, 1-based): chr2:181,558,604, G>C on the plus strand (C>G on the coding strand, the complement: CERKL is on the minus strand). VCF-style: chr2-181558604-G-C. GRCh37 (hg19) VCF-style: chr2-182423331-G-C.
Other names: c.860C>G, p.Pro287Arg (NM_001030311.3); c.*64C>G (NM_001030314.1, NM_001030315.1); c.728C>G, p.Pro243Arg (NM_001160277.2); c.482-8896C>G (NM_001030312.3); c.614-8896C>G (NM_001030313.3); short protein forms P243R, P287R, P261R.
Identifiers: ClinVar variation 1967640 (VCV001967640.3), dbSNP rs765537516, ClinGen allele CA2010664.

ClinVar aggregate classification (germline): Uncertain significance (1 of 4 stars; one submission).

Allele frequency attached by ClinVar (database versions not stated): ExAC 0.00001.

Submission:

Labcorp Genetics (formerly Invitae), Labcorp
Classification: Uncertain significance. Last evaluated: 2022-03-09. Review status: criteria provided, single submitter. Criteria: Invitae Variant Classification Sherloc (09022015). Collection method: clinical testing. Allele origin: germline.
Comment: In summary, the available evidence is currently insufficient to determine the role of this variant in disease. Therefore, it has been classified as a Variant of Uncertain Significance. Algorithms developed to predict the effect of missense changes on protein structure and function are either unavailable or do not agree on the potential impact of this missense change (SIFT: "Tolerated"; PolyPhen-2: "Probably Damaging"; Align-GVGD: "Class C0"). This variant has not been reported in the literature in individuals affected with CERKL-related conditions. This variant is not present in population databases (gnomAD no frequency). This sequence change replaces proline, which is neutral and non-polar, with arginine, which is basic and polar, at codon 287 of the CERKL protein (p.Pro287Arg).